The following is an entry in ClinVar:

NM_152564.5(VPS13B):c.6708A>T (p.Leu2236Phe)

Gene: VPS13B (vacuolar protein sorting 13 homolog B; plus strand). Cytogenetic location: 8q22.2.
Variant type: single nucleotide variant.
Coding change: c.6708A>T on transcript NM_152564.5 (MANE Select); coding-DNA position 6708, A replaced by T.
Protein change: p.Leu2236Phe; replaces leucine 2236 with phenylalanine.
Molecular consequence: missense variant.
Genome position (GRCh38, 1-based): chr8:99,720,395, A>T. VCF-style: chr8-99720395-A-T. GRCh37 (hg19) VCF-style: chr8-100732623-A-T.
Other names: c.6783A>T, p.Leu2261Phe (NM_017890.5); short protein forms L2236F, L2261F.
Identifiers: ClinVar variation 908547 (VCV000908547.14), dbSNP rs1001219779, ClinGen allele CA183029733.

ClinVar aggregate classification (germline): Uncertain significance. Review status: criteria provided, multiple submitters, no conflicts (2 of 4 stars). 3 submissions from 3 submitters: Uncertain significance (2). 1 of the submissions does not count toward it. Last evaluated 2024-08-31.

Conditions:
Cohen syndrome (COH1). Also called: Cutis verticis gyrata, retinitis pigmentosa, and sensorineural deafness; PEPPER SYNDROME. Identifiers: Orphanet 193, MedGen C0265223, MONDO:0008999, OMIM 216550.

Allele frequency attached by ClinVar (database versions not stated): gnomAD exomes below 0.00001 and 0.00005; TOPMed below 0.00001; gnomAD 0.00001.
gnomAD v4.1: 32 of 1,613,784 alleles (0.002%); highest among the groups gnomAD compares: East Asian, 0.069%; no homozygotes.

Submissions (3):

Labcorp Genetics (formerly Invitae), Labcorp
Classification: Uncertain significance for Cohen syndrome. Last evaluated: 2024-08-31. Review status: criteria provided, single submitter. Criteria: Invitae Variant Classification Sherloc (09022015). Collection method: clinical testing. Allele origin: germline.
Comment: This sequence change replaces leucine, which is neutral and non-polar, with phenylalanine, which is neutral and non-polar, at codon 2261 of the VPS13B protein (p.Leu2261Phe). This variant is present in population databases (no rsID available, gnomAD 0.006%). This variant has not been reported in the literature in individuals affected with VPS13B-related conditions. ClinVar contains an entry for this variant (Variation ID: 908547). Invitae Evidence Modeling of protein sequence and biophysical properties (such as structural, functional, and spatial information, amino acid conservation, physicochemical variation, residue mobility, and thermodynamic stability) indicates that this missense variant is expected to disrupt VPS13B protein function with a positive predictive value of 80%. In summary, the available evidence is currently insufficient to determine the role of this variant in disease. Therefore, it has been classified as a Variant of Uncertain Significance.

Illumina Laboratory Services, Illumina
Classification: Uncertain significance for Cohen syndrome. Last evaluated: 2018-01-12. Review status: criteria provided, single submitter. Criteria: ICSL Variant Classification Criteria 13 December 2019. Collection method: clinical testing. Allele origin: germline.

Natera, Inc.
Classification: Uncertain significance for Cohen syndrome. Last evaluated: 2020-03-07. Review status: no assertion criteria provided. Collection method: clinical testing. Allele origin: germline. Not counted in ClinVar's aggregate classification.